The following is an entry in ClinVar:

ClinVar aggregate classification (germline): Uncertain significance (1 of 4 stars; one submission).

Submission:

Labcorp Genetics (formerly Invitae), Labcorp
Classification: Uncertain significance. Last evaluated: 2021-04-26. Review status: criteria provided, single submitter. Criteria: Invitae Variant Classification Sherloc (09022015). Collection method: clinical testing. Allele origin: germline.
Comment: In summary, the available evidence is currently insufficient to determine the role of this variant in disease. Therefore, it has been classified as a Variant of Uncertain Significance. Algorithms developed to predict the effect of missense changes on protein structure and function are either unavailable or do not agree on the potential impact of this missense change (SIFT: "Deleterious"; PolyPhen-2: "Probably Damaging"; Align-GVGD: "Class C0"). This variant has not been reported in the literature in individuals with MFSD2A-related conditions. This variant is not present in population databases (ExAC no frequency). This sequence change replaces leucine with tryptophan at codon 41 of the MFSD2A protein (p.Leu41Trp). The leucine residue is highly conserved and there is a small physicochemical difference between leucine and tryptophan.

NM_032793.5(MFSD2A):c.122T>G (p.Leu41Trp)

Gene: MFSD2A (MFSD2 lysolipid transporter A, lysophospholipid; plus strand). Cytogenetic location: 1p34.2.
Variant type: single nucleotide variant.
Coding change: c.122T>G on transcript NM_032793.5 (MANE Select); coding-DNA position 122, T replaced by G.
Protein change: p.Leu41Trp; replaces leucine 41 with tryptophan.
Molecular consequence: missense variant. On other transcripts: 5 prime UTR variant (1), non-coding transcript variant (1), intron variant (2).
Genome position (GRCh38, 1-based): chr1:39,957,115, T>G. VCF-style: chr1-39957115-T-G. GRCh37 (hg19) VCF-style: chr1-40422787-T-G.
Other names: c.122T>G, p.Leu41Trp (NM_001136493.3, NM_001349822.2); c.116T>G, p.Leu39Trp (NM_001349821.2); c.-224T>G (NM_001349823.2); c.94-83T>G (NM_001287809.2); c.-116+1730T>G (NM_001287808.2); short protein forms L39W, L41W.
Identifiers: ClinVar variation 1390707 (VCV001390707.8), dbSNP rs2124755855, ClinGen allele CA339829489.